The following is an entry in ClinVar:

ClinVar aggregate classification (germline): Uncertain significance. Review status: criteria provided, single submitter (1 of 4 stars). 2 submissions from 2 submitters: Uncertain significance (1). 1 of the submissions does not count toward it. Last evaluated 2021-08-24.

Conditions:
Citrullinemia. Identifiers: Orphanet 187, MedGen C0175683, MONDO:0015991.
Citrin deficiency. Identifiers: Orphanet 247582, MedGen C1997910, MONDO:0016602.

Allele frequency attached by ClinVar (database versions not stated): TOPMed below 0.00001; gnomAD 0.00001.
gnomAD v4.1: 1 of 1,614,024 alleles (0.000062%); highest among the groups gnomAD compares: African/African-American, 0.0013%; no homozygotes.

Submissions (2):

Labcorp Genetics (formerly Invitae), Labcorp
Classification: Uncertain significance for Citrin deficiency. Last evaluated: 2021-08-24. Review status: criteria provided, single submitter. Criteria: Invitae Variant Classification Sherloc (09022015). Collection method: clinical testing. Allele origin: germline.
Comment: This sequence change replaces alanine with threonine at codon 554 of the SLC25A13 protein (p.Ala554Thr). The alanine residue is highly conserved and there is a small physicochemical difference between alanine and threonine. This variant is not present in population databases (ExAC no frequency). This variant has not been reported in the literature in individuals affected with SLC25A13-related conditions. Algorithms developed to predict the effect of missense changes on protein structure and function are either unavailable or do not agree on the potential impact of this missense change (SIFT: "Deleterious"; PolyPhen-2: "Benign"; Align-GVGD: "Class C0"). In summary, the available evidence is currently insufficient to determine the role of this variant in disease. Therefore, it has been classified as a Variant of Uncertain Significance.

Natera, Inc.
Classification: Uncertain significance for Citrullinemia. Last evaluated: 2021-10-14. Review status: no assertion criteria provided. Collection method: clinical testing. Allele origin: germline. Not counted in ClinVar's aggregate classification.

NM_014251.3(SLC25A13):c.1660G>A (p.Ala554Thr)

Gene: SLC25A13 (solute carrier family 25 member 13; minus strand). Cytogenetic location: 7q21.3.
Variant type: single nucleotide variant.
Coding change: c.1660G>A on transcript NM_014251.3 (MANE Select); coding-DNA position 1660, G replaced by A.
Protein change: p.Ala554Thr; replaces alanine 554 with threonine.
Molecular consequence: missense variant. On other transcripts: non-coding transcript variant (1).
Genome position (GRCh38, 1-based): chr7:96,121,929, C>T on the plus strand (G>A on the coding strand, the complement: SLC25A13 is on the minus strand). VCF-style: chr7-96121929-C-T. GRCh37 (hg19) VCF-style: chr7-95751241-C-T.
Other names: c.1663G>A, p.Ala555Thr (NM_001160210.2); short protein forms A554T, A555T.
Identifiers: ClinVar variation 848229 (VCV000848229.8), dbSNP rs774907889, ClinGen allele CA162992548.